The following is an entry in ClinVar:

ClinVar aggregate classification (germline): Conflicting classifications of pathogenicity. Review status: criteria provided, conflicting classifications (1 of 4 stars). 2 submissions from 2 submitters: Likely pathogenic (1); Uncertain significance (1). Last evaluated 2024-05-15.

Conditions:
Medulloblastoma (MDB). Also called: Medulloblastoma, somatic; MEDULLOBLASTOMA PREDISPOSITION SYNDROME. Identifiers: Orphanet 616, MedGen C0025149, MeSH D008527, MONDO:0007959, OMIM 155255, HP:0002885.

Submissions (2):

Labcorp Genetics (formerly Invitae), Labcorp
Classification: Uncertain significance. Last evaluated: 2024-05-15. Review status: criteria provided, single submitter. Criteria: Invitae Variant Classification Sherloc (09022015). Collection method: clinical testing. Allele origin: germline.
Comment: This sequence change creates a premature translational stop signal (p.Leu91Valfs*101) in the GPR161 gene. It is expected to result in an absent or disrupted protein product. However, the current clinical and genetic evidence is not sufficient to establish whether loss-of-function variants in GPR161 cause disease. This variant is present in population databases (rs759796185, gnomAD 0.0009%). This premature translational stop signal has been observed in individual(s) with medulloblastoma (PMID: 31609649). In summary, the available evidence is currently insufficient to determine the role of this variant in disease. Therefore, it has been classified as a Variant of Uncertain Significance.

Institute for Genomic Medicine (IGM) Clinical Laboratory, Nationwide Children's Hospital
Classification: Likely pathogenic for Medulloblastoma. Last evaluated: 2023-12-12. Review status: criteria provided, single submitter. Criteria: ACMG Guidelines, 2015. Collection method: clinical testing. Allele origin: germline.
Comment: This variant is predicted to result in loss of function through nonsense-mediated decay of the encoded transcript or premature truncation of the encoded protein in a gene in which loss of function is a known mechanism of disease (ACMG/AMP: PVS1; PMIDs:31609649, 33194646). This variant is absent from or present at an exceedingly low frequency in gnomAD, a large-scale control population database (ACMG/AMP: PM2).

Literature cited by the submitters: PubMed 31609649 (cited by Labcorp Genetics (formerly Invitae), Labcorp and Institute for Genomic Medicine (IGM) Clinical Laboratory, Nationwide Children's Hospital); PubMed 33194646 (cited by Institute for Genomic Medicine (IGM) Clinical Laboratory, Nationwide Children's Hospital).

NM_001375883.1(GPR161):c.211_212del (p.Leu71fs)

Gene: GPR161 (G protein-coupled receptor 161; minus strand). Cytogenetic location: 1q24.2.
Variant type: Microsatellite.
Coding change: c.211_212del on transcript NM_001375883.1 (MANE Select); coding-DNA positions 211 to 212, 2 bases deleted (CT; older notation c.211_212delCT).
Protein change: p.Leu71fs; shifts the reading frame from leucine 71.
Molecular consequence: frameshift variant. On other transcripts: intron variant (4).
Genome position (GRCh38, 1-based): chr1:168,104,639-168,104,640, AG deleted on the plus strand (CT on the coding strand, the reverse complement: GPR161 is on the minus strand); deleting any 2 consecutive bases within chr1:168,104,639-168,104,642 gives the same sequence; the c. name uses the placement nearest the transcript's 3' end. VCF-style (leftmost placement, unchanged base first): chr1-168104638-CAG-C. GRCh37 (hg19) VCF-style: chr1-168073876-CAG-C.
Other names: c.271_272del, p.Leu91fs (NM_001267609.1); c.211_212del, p.Leu71fs (NM_001267610.2, NM_001349632.1, NM_001349633.1 and 5 more transcripts); c.262_263del, p.Leu88fs (NM_001267611.1); c.-22-7408_-22-7407del (NM_001349635.1, NM_001267612.2); c.33-7408_33-7407del (NM_001267614.1); c.141-7408_141-7407del (NM_001267613.1); short protein forms L71fs, L88fs, L91fs.
Identifiers: ClinVar variation 3609113 (VCV003609113.3).
Genomic context (GRCh38, chr1:168,104,638, plus strand): 5'-CCTGCGGATGGAGCTCGTCACCACAAAAGGCAGCACCAACACGGACAGCAGGAAGTTGGA[CAG>C]AGTCAGGCTGAAGACGAACTTGTTGCTGAGGGTGAGGAGGTAGGACTTCTTGTACAAGGT-3'